The following is an entry in ClinVar:

NM_173086.5(KRT6C):c.1511G>A (p.Gly504Asp)

Gene: KRT6C (keratin 6C; minus strand). Cytogenetic location: 12q13.13.
Variant type: single nucleotide variant.
Coding change: c.1511G>A on transcript NM_173086.5 (MANE Select); coding-DNA position 1511, G replaced by A.
Protein change: p.Gly504Asp; replaces glycine 504 with aspartic acid.
Molecular consequence: missense variant.
Genome position (GRCh38, 1-based): chr12:52,469,246, C>T on the plus strand (G>A on the coding strand, the complement: KRT6C is on the minus strand). VCF-style: chr12-52469246-C-T. GRCh37 (hg19) VCF-style: chr12-52863030-C-T.
Other names: short protein forms G504D.
Identifiers: ClinVar variation 2978654 (VCV002978654.3), dbSNP rs755279283, ClinGen allele CA6581043.

ClinVar aggregate classification (germline): Uncertain significance (1 of 4 stars; one submission).

Allele frequency attached by ClinVar (database versions not stated): gnomAD exomes 0.00001; gnomAD 0.00001; ExAC 0.00002.

Submission:

Labcorp Genetics (formerly Invitae), Labcorp
Classification: Uncertain significance. Last evaluated: 2025-11-11. Review status: criteria provided, single submitter. Criteria: Invitae Variant Classification Sherloc (09022015). Collection method: clinical testing. Allele origin: germline.
Comment: This sequence change replaces glycine, which is neutral and non-polar, with aspartic acid, which is acidic and polar, at codon 504 of the KRT6C protein (p.Gly504Asp). This variant is present in population databases (rs755279283, gnomAD 0.01%). This variant has not been reported in the literature in individuals affected with KRT6C-related conditions. ClinVar contains an entry for this variant (Variation ID: 2978654). Invitae Evidence Modeling of protein sequence and biophysical properties (such as structural, functional, and spatial information, amino acid conservation, physicochemical variation, residue mobility, and thermodynamic stability) indicates that this missense variant is not expected to disrupt KRT6C protein function with a negative predictive value of 95%. In summary, the available evidence is currently insufficient to determine the role of this variant in disease. Therefore, it has been classified as a Variant of Uncertain Significance.